The following is an entry in ClinVar:

ClinVar aggregate classification (germline): Uncertain significance (1 of 4 stars; one submission).

Submission:

Labcorp Genetics (formerly Invitae), Labcorp
Classification: Uncertain significance. Last evaluated: 2022-12-30. Review status: criteria provided, single submitter. Criteria: Invitae Variant Classification Sherloc (09022015). Collection method: clinical testing. Allele origin: germline.
Comment: This variant has not been reported in the literature in individuals affected with MAGEL2-related conditions. This variant is not present in population databases (gnomAD no frequency). This sequence change replaces histidine, which is basic and polar, with arginine, which is basic and polar, at codon 906 of the MAGEL2 protein (p.His906Arg). In summary, the available evidence is currently insufficient to determine the role of this variant in disease. Therefore, it has been classified as a Variant of Uncertain Significance. Advanced modeling of protein sequence and biophysical properties (such as structural, functional, and spatial information, amino acid conservation, physicochemical variation, residue mobility, and thermodynamic stability) performed at Invitae indicates that this missense variant is not expected to disrupt MAGEL2 protein function.

NM_019066.5(MAGEL2):c.2717A>G (p.His906Arg)

Gene: MAGEL2 (MAGE family member L2; minus strand). Cytogenetic location: 15q11.2.
Variant type: single nucleotide variant.
Coding change: c.2717A>G on transcript NM_019066.5 (MANE Select); coding-DNA position 2717, A replaced by G.
Protein change: p.His906Arg; replaces histidine 906 with arginine.
Molecular consequence: missense variant.
Genome position (GRCh38, 1-based): chr15:23,645,026, T>C on the plus strand (A>G on the coding strand, the complement: MAGEL2 is on the minus strand). VCF-style: chr15-23645026-T-C. GRCh37 (hg19) VCF-style: chr15-23890173-T-C.
Other names: short protein forms H906R.
Identifiers: ClinVar variation 2778050 (VCV002778050.3), dbSNP rs2503976284, ClinGen allele CA391330413.
Genomic context (GRCh38, chr15:23,645,026, plus strand): 5'-CTTTGGACCTCCCAGTCACTCAGATTTAGATTCTCCCAGGGCCTTGGGCCCTGCCAGTCA[T>C]GAAAGGCTAGCGTGTGGCCACGGCTGTCCTCTTGGGCTTCCAGATGCTTCTTCTTCCGGG-3'
Protein context (NP_061939.3, residues 896-916): EDSRGHTLAF[His906Arg]DWQGPRPWEN